The following is an entry in ClinVar:

NM_000552.5(VWF):c.1644C>G (p.Asp548Glu)

Gene: VWF (von Willebrand factor; minus strand). Cytogenetic location: 12p13.31.
Variant type: single nucleotide variant.
Coding change: c.1644C>G on transcript NM_000552.5 (MANE Select); coding-DNA position 1644, C replaced by G.
Protein change: p.Asp548Glu; replaces aspartic acid 548 with glutamic acid.
Molecular consequence: missense variant.
Genome position (GRCh38, 1-based): chr12:6,057,934, G>C on the plus strand (C>G on the coding strand, the complement: VWF is on the minus strand). VCF-style: chr12-6057934-G-C. GRCh37 (hg19) VCF-style: chr12-6167100-G-C.
Other names: short protein forms D548E.
Identifiers: ClinVar variation 2572136 (VCV002572136.1), dbSNP rs2497216170, ClinGen allele CA383498189.
Genomic context (GRCh38, chr12:6,057,934, plus strand): 5'-ATCGCTGTGCTGCTTCTGCAGGTCCTGGCAGTCCCCGTGCAGCTTCCAGGCGTTCCCGAA[G>C]TCCTCCACCCGGGGCTCCGCCAGCCCAGAGGGGGTAAGGAAGTCGTCGCCCTGGTTGCCA-3'
Protein context (NP_000543.3, residues 538-558): PSGLAEPRVE[Asp548Glu]FGNAWKLHGD

ClinVar aggregate classification (germline): Uncertain significance (1 of 4 stars; one submission).

Conditions:
Hemorrhage. Identifiers: MedGen C0019080, MeSH D006470.

gnomAD v4.1: 1 of 1,613,722 alleles (0.000062%); highest among the groups gnomAD compares: Non-Finnish European, 0.000085%; no homozygotes.

Submission:

ISTH-SSC Genomics in Thrombosis and Hemostasis, KU Leuven, Center for Molecular and Vascular Biology
Classification: Uncertain significance for Hemorrhage. Review status: criteria provided, single submitter. Criteria: ACMG Guidelines, 2015. Collection method: clinical testing. Allele origin: germline. Affected: yes. Observed: 1 heterozygote.
Comment: Submitted to the GoldVariant database by Kathleen Freson, Center for Molecular and Vascular Biology